The following is an entry in ClinVar:

NM_001387430.1(SH2B1):c.571C>A (p.Pro191Thr)

Gene: SH2B1 (SH2B adaptor protein 1; plus strand). Cytogenetic location: 16p11.2.
Variant type: single nucleotide variant.
Coding change: c.571C>A on transcript NM_001387430.1 (MANE Select); coding-DNA position 571, C replaced by A.
Protein change: p.Pro191Thr; replaces proline 191 with threonine.
Molecular consequence: missense variant. On other transcripts: intron variant (1).
Genome position (GRCh38, 1-based): chr16:28,866,665, C>A. VCF-style: chr16-28866665-C-A. GRCh37 (hg19) VCF-style: chr16-28877986-C-A.
Other names: c.571C>A, p.Pro191Thr (NM_001145795.2, NM_001145796.2, NM_001145797.2 and 4 more transcripts); c.-26-709C>A (NM_001308294.2); short protein forms P191T.
Identifiers: ClinVar variation 3345169 (VCV003345169.1).

ClinVar aggregate classification (germline): Uncertain significance (0 of 4 stars; one submission).

Conditions:
SH2B1-related disorder. Also called: SH2B1-related condition.

gnomAD v4.1: 146 of 1,609,696 alleles (0.0091%); highest among the groups gnomAD compares: Non-Finnish European, 0.012%; no homozygotes.

Submission:

PreventionGenetics, part of Exact Sciences
Classification: Uncertain significance for SH2B1-related condition. Last evaluated: 2024-05-01. Review status: no assertion criteria provided. Collection method: clinical testing. Allele origin: germline.
Comment: The SH2B1 c.571C>A variant is predicted to result in the amino acid substitution p.Pro191Thr. This variant, in the heterozygous state, has been reported to be associated with significant weight regain after Roux-en-Y gastric bypass (RYGB) (Campos et al. 2022. PubMed ID: 35654930). This variant is reported in 0.0040% of alleles in individuals of African descent in gnomAD. At this time, the clinical significance of this variant is uncertain due to the absence of conclusive functional and genetic evidence.